The following is an entry in ClinVar:

NM_207037.2(TCF12):c.339G>C (p.Glu113Asp)

Gene: TCF12 (transcription factor 12; plus strand). Cytogenetic location: 15q21.3.
Variant type: single nucleotide variant.
Coding change: c.339G>C on transcript NM_207037.2 (MANE Select); coding-DNA position 339, G replaced by C.
Protein change: p.Glu113Asp; replaces glutamic acid 113 with aspartic acid.
Molecular consequence: missense variant. On other transcripts: 5 prime UTR variant (1).
Genome position (GRCh38, 1-based): chr15:57,166,415, G>C. VCF-style: chr15-57166415-G-C. GRCh37 (hg19) VCF-style: chr15-57458613-G-C.
Other names: c.339G>C, p.Glu113Asp (NM_001322151.2, NM_001322152.2, NM_001322157.3 and 7 more transcripts); c.-314G>C (NM_001322154.2); c.165G>C, p.Glu55Asp (NM_001322156.2, NM_001322158.2); c.375G>C, p.Glu125Asp (NM_001322164.2); short protein forms E55D, E113D, E125D.
Identifiers: ClinVar variation 762070 (VCV000762070.12), dbSNP rs180768505, ClinGen allele CA7580838.

ClinVar aggregate classification (germline): Likely benign. Review status: criteria provided, multiple submitters, no conflicts (2 of 4 stars). 3 submissions from 3 submitters: Likely benign (2). 1 of the submissions does not count toward it. Last evaluated 2026-01-06.

Conditions:
TCF12-related disorder. Also called: TCF12-related condition.

Allele frequency attached by ClinVar (database versions not stated): gnomAD 0.00013; TOPMed 0.00015; 1000 Genomes Project 0.00060; 1000 Genomes Project 30x 0.00062.
gnomAD v4.1: 107 of 1,612,148 alleles (0.0066%); highest among the groups gnomAD compares: East Asian, 0.21%; 1 homozygote.

Submissions (3):

Labcorp Genetics (formerly Invitae), Labcorp
Classification: Likely benign. Last evaluated: 2026-01-06. Review status: criteria provided, single submitter. Criteria: Invitae Variant Classification Sherloc (09022015). Collection method: clinical testing. Allele origin: germline.

Blueprint Genetics
Classification: Likely benign. Last evaluated: 2024-03-21. Review status: criteria provided, single submitter. Criteria: ACMG Guidelines, 2015. Collection method: clinical testing. Allele origin: germline.

PreventionGenetics, part of Exact Sciences
Classification: Likely benign for TCF12-related condition. Last evaluated: 2019-06-06. Review status: no assertion criteria provided. Collection method: clinical testing. Allele origin: germline. Not counted in ClinVar's aggregate classification.
Comment: This variant is classified as likely benign based on ACMG/AMP sequence variant interpretation guidelines (Richards et al. 2015 PMID: 25741868, with internal and published modifications).